The following is an entry in ClinVar:

ClinVar aggregate classification (germline): Uncertain significance (1 of 4 stars; one submission).

Submission:

Labcorp Genetics (formerly Invitae), Labcorp
Classification: Uncertain significance. Last evaluated: 2022-02-03. Review status: criteria provided, single submitter. Criteria: Invitae Variant Classification Sherloc (09022015). Collection method: clinical testing. Allele origin: germline.
Comment: Advanced modeling of protein sequence and biophysical properties (such as structural, functional, and spatial information, amino acid conservation, physicochemical variation, residue mobility, and thermodynamic stability) performed at Invitae indicates that this missense variant is expected to disrupt SI protein function. This variant has not been reported in the literature in individuals affected with SI-related conditions. This variant is not present in population databases (gnomAD no frequency). This sequence change replaces tryptophan, which is neutral and slightly polar, with leucine, which is neutral and non-polar, at codon 1493 of the SI protein (p.Trp1493Leu). In summary, the available evidence is currently insufficient to determine the role of this variant in disease. Therefore, it has been classified as a Variant of Uncertain Significance.

NM_001041.4(SI):c.4478G>T (p.Trp1493Leu)

Gene: SI (sucrase-isomaltase; minus strand). Cytogenetic location: 3q26.1.
Variant type: single nucleotide variant.
Coding change: c.4478G>T on transcript NM_001041.4 (MANE Select); coding-DNA position 4478, G replaced by T.
Protein change: p.Trp1493Leu; replaces tryptophan 1493 with leucine.
Molecular consequence: missense variant.
Genome position (GRCh38, 1-based): chr3:164,998,602, C>A on the plus strand (G>T on the coding strand, the complement: SI is on the minus strand). VCF-style: chr3-164998602-C-A. GRCh37 (hg19) VCF-style: chr3-164716390-C-A.
Other names: short protein forms W1493L.
Identifiers: ClinVar variation 1377120 (VCV001377120.8), dbSNP rs1718124808, ClinGen allele CA355030786.